The following is an entry in ClinVar:

ClinVar aggregate classification (germline): Uncertain significance (1 of 4 stars; one submission).

gnomAD v4.1: 6 of 1,483,988 alleles (0.0004%); highest among the groups gnomAD compares: East Asian, 0.0024%; no homozygotes.

Submission:

Ambry Genetics
Classification: Uncertain significance. Last evaluated: 2025-05-27. Review status: criteria provided, single submitter. Criteria: Ambry Variant Classification Scheme 2023. Collection method: clinical testing. Allele origin: germline.
Comment: The p.P1489L variant (also known as c.4466C>T), located in coding exon 14 of the CDK12 gene, results from a C to T substitution at nucleotide position 4466. The proline at codon 1489 is replaced by leucine, an amino acid with similar properties. This amino acid position is conserved. In addition, this alteration is predicted to be deleterious by in silico analysis. Based on the available evidence, the clinical significance of this variant remains unclear.

NM_016507.4(CDK12):c.4466C>T (p.Pro1489Leu)

Gene: CDK12 (cyclin dependent kinase 12; plus strand). Cytogenetic location: 17q12.
Variant type: single nucleotide variant.
Coding change: c.4466C>T on transcript NM_016507.4 (MANE Select); coding-DNA position 4466, C replaced by T.
Protein change: p.Pro1489Leu; replaces proline 1489 with leucine.
Molecular consequence: missense variant.
Genome position (GRCh38, 1-based): chr17:39,531,309, C>T. VCF-style: chr17-39531309-C-T. GRCh37 (hg19) VCF-style: chr17-37687562-C-T.
Other names: c.4439C>T, p.Pro1480Leu (NM_015083.4); short protein forms P1480L, P1489L.
Identifiers: ClinVar variation 3999504 (VCV003999504.1).